The following is an entry in ClinVar:

NC_000007.13:g.(?_140434397)_(140534692_?)dup

Gene: BRAF (B-Raf proto-oncogene, serine/threonine kinase; minus strand). Cytogenetic location: 7q34.
Variant type: Duplication.
Identifiers: ClinVar variation 3245839 (VCV003245839.1).

ClinVar aggregate classification (germline): Uncertain significance (1 of 4 stars; one submission).

Conditions:
RASopathy. Also called: Noonan spectrum disorder; rasopathies. Identifiers: Orphanet 536391, MedGen C5555857, MONDO:0021060.

Submission:

Labcorp Genetics (formerly Invitae), Labcorp
Classification: Uncertain significance for RASopathy. Last evaluated: 2023-09-22. Review status: criteria provided, single submitter. Criteria: Invitae Variant Classification Sherloc (09022015). Collection method: clinical testing. Allele origin: unknown.
Comment: In summary, the available evidence is currently insufficient to determine the role of this variant in disease. Therefore, it has been classified as a Variant of Uncertain Significance. This variant results in a copy number gain of the genomic region encompassing exon(s) 3-18 of the BRAF gene. This region includes the termination codon of the gene. This copy number gain extends beyond the assayed region for this gene and therefore may encompass additional genes. As the precise location of this event is unknown, it may be in tandem or it may be located elsewhere in the genome. This variant has not been reported in the literature in individuals affected with BRAF-related conditions. Experimental studies and prediction algorithms are not available or were not evaluated, and the functional significance of this variant is currently unknown.